The following is an entry in ClinVar:

ClinVar aggregate classification (germline): Uncertain significance. Review status: criteria provided, multiple submitters, no conflicts (2 of 4 stars). 3 submissions from 3 submitters: Uncertain significance (3). Last evaluated 2025-09-20.

Conditions:
Bloom syndrome (BLM). Also called: Bloom-Torre-Machacek syndrome. Identifiers: Orphanet 125, MedGen C0005859, MONDO:0008876, OMIM 210900.
Hereditary cancer-predisposing syndrome. Also called: Hereditary Cancer Syndrome; Hereditary neoplastic syndrome; Tumor predisposition; Neoplastic Syndromes, Hereditary. Identifiers: Orphanet 140162, MedGen C0027672, MeSH D009386, MONDO:0015356.

Allele frequency attached by ClinVar (database versions not stated): TOPMed 0.00002.

Submissions (3):

Labcorp Genetics (formerly Invitae), Labcorp
Classification: Uncertain significance for Bloom syndrome. Last evaluated: 2025-09-20. Review status: criteria provided, single submitter. Criteria: Invitae Variant Classification Sherloc (09022015). Collection method: clinical testing. Allele origin: germline.
Comment: This sequence change replaces serine, which is neutral and polar, with asparagine, which is neutral and polar, at codon 503 of the BLM protein (p.Ser503Asn). This variant is not present in population databases (gnomAD no frequency). This variant has not been reported in the literature in individuals affected with BLM-related conditions. ClinVar contains an entry for this variant (Variation ID: 1402010). Invitae Evidence Modeling of protein sequence and biophysical properties (such as structural, functional, and spatial information, amino acid conservation, physicochemical variation, residue mobility, and thermodynamic stability) indicates that this missense variant is not expected to disrupt BLM protein function with a negative predictive value of 80%. In summary, the available evidence is currently insufficient to determine the role of this variant in disease. Therefore, it has been classified as a Variant of Uncertain Significance.

Ambry Genetics
Classification: Uncertain significance for Hereditary cancer-predisposing syndrome. Last evaluated: 2025-01-30. Review status: criteria provided, single submitter. Criteria: Ambry Variant Classification Scheme 2023. Collection method: clinical testing. Allele origin: germline.
Comment: The p.S503N variant (also known as c.1508G>A), located in coding exon 6 of the BLM gene, results from a G to A substitution at nucleotide position 1508. The serine at codon 503 is replaced by asparagine, an amino acid with highly similar properties. This amino acid position is conserved. In addition, this alteration is predicted to be tolerated by in silico analysis. Since supporting evidence is limited at this time, the clinical significance of this alteration remains unclear.

Fulgent Genetics
Classification: Uncertain significance for Bloom syndrome. Last evaluated: 2024-01-02. Review status: criteria provided, single submitter. Criteria: ACMG Guidelines, 2015. Collection method: clinical testing. Allele origin: germline.

NM_000057.4(BLM):c.1508G>A (p.Ser503Asn)

Gene: BLM (BLM RecQ like helicase; plus strand). Cytogenetic location: 15q26.1.
Variant type: single nucleotide variant.
Coding change: c.1508G>A on transcript NM_000057.4 (MANE Select); coding-DNA position 1508, G replaced by A.
Protein change: p.Ser503Asn; replaces serine 503 with asparagine.
Molecular consequence: missense variant.
Genome position (GRCh38, 1-based): chr15:90,760,881, G>A. VCF-style: chr15-90760881-G-A. GRCh37 (hg19) VCF-style: chr15-91304111-G-A.
Other names: c.1508G>A, p.Ser503Asn (NM_001287246.2, NM_001287247.2); c.383G>A, p.Ser128Asn (NM_001287248.2); short protein forms S128N, S503N.
Identifiers: ClinVar variation 1402010 (VCV001402010.10), dbSNP rs1352036324, ClinGen allele CA393843210.